The following is an entry in ClinVar:

ClinVar aggregate classification (germline): Likely pathogenic. Review status: criteria provided, multiple submitters, no conflicts (2 of 4 stars). 2 submissions from 2 submitters: Likely pathogenic (2). Last evaluated 2024-09-02.

Conditions:
Developmental and epileptic encephalopathy, 43 (DEE43). Also called: Epileptic encephalopathy, early infantile, 43. Identifiers: MedGen C4310712, MONDO:0014921, OMIM 617113.
Epilepsy, childhood absence, susceptibility to, 1. Also called: Epilepsy, childhood absence 1. Identifiers: Orphanet 64280, MedGen C1838604, MONDO:0020759, OMIM 600131.
Epilepsy, childhood absence, susceptibility to, 5. Identifiers: Orphanet 64280, MedGen C2677087, MONDO:0012843, OMIM 612269.

Submissions (2):

Department of Human Genetics, Hannover Medical School
Classification: Likely pathogenic for Developmental and epileptic encephalopathy, 43. Last evaluated: 2024-09-02. Review status: criteria provided, single submitter. Criteria: ACMG Guidelines, 2015. Collection method: clinical testing. Allele origin: germline. Affected: yes.

Labcorp Genetics (formerly Invitae), Labcorp
Classification: Likely pathogenic for Epilepsy, childhood absence, susceptibility to, 5; Epilepsy, childhood absence, susceptibility to, 1. Last evaluated: 2019-12-05. Review status: criteria provided, single submitter. Criteria: Invitae Variant Classification Sherloc (09022015). Collection method: clinical testing. Allele origin: germline.
Comment: This sequence change replaces proline with leucine at codon 301 of the GABRB3 protein (p.Pro301Leu). The proline residue is moderately conserved and there is a moderate physicochemical difference between proline and leucine. This variant is not present in population databases (ExAC no frequency). In summary, the currently available evidence indicates that the variant is pathogenic, but additional data are needed to prove that conclusively. Therefore, this variant has been classified as Likely Pathogenic. This variant has been reported to affect GABRB3 protein function (PMID: 29961870). This variant has been observed in individual(s) with clinical features of early infantile epileptic encephalopathy (PMID: 28053010, 29961870). In at least one individual the variant was observed to be de novo.

Literature cited by the submitters: PubMed 29961870 (cited by Labcorp Genetics (formerly Invitae), Labcorp); PubMed 28053010 (cited by Labcorp Genetics (formerly Invitae), Labcorp).

NM_000814.6(GABRB3):c.902C>T (p.Pro301Leu)

Gene: GABRB3 (gamma-aminobutyric acid type A receptor subunit beta3; minus strand). Cytogenetic location: 15q12.
Variant type: single nucleotide variant.
Coding change: c.902C>T on transcript NM_000814.6 (MANE Select); coding-DNA position 902, C replaced by T.
Protein change: p.Pro301Leu; replaces proline 301 with leucine.
Molecular consequence: missense variant.
Genome position (GRCh38, 1-based): chr15:26,561,110, G>A on the plus strand (C>T on the coding strand, the complement: GABRB3 is on the minus strand). VCF-style: chr15-26561110-G-A. GRCh37 (hg19) VCF-style: chr15-26806257-G-A.
Other names: c.647C>T, p.Pro216Leu (NM_001191320.2, NM_001278631.2); c.689C>T, p.Pro230Leu (NM_001191321.3); c.902C>T, p.Pro301Leu (NM_021912.5); short protein forms P301L, P216L, P230L.
Identifiers: ClinVar variation 837360 (VCV000837360.10), dbSNP rs1889966534, ClinGen allele CA391462154.
Genomic context (GRCh38, chr15:26,561,110, plus strand): 5'-AGGGCCAGGAACACAAAGACGAAGCAGCCCATAAGGTACATGTCAATGGCTTTGACATAG[G>A]GGATTTTGGGCAAGGTCTCCCGAAGGTGGGTGTTGATGGTTGTCATTGTCAGCACAGTTG-3'
Protein context (NP_000805.1, residues 291-311): THLRETLPKI[Pro301Leu]YVKAIDMYLM